The following is an entry in ClinVar:

ClinVar aggregate classification (germline): Uncertain significance (1 of 4 stars; one submission).

Conditions:
Werner syndrome (WRN). Identifiers: Orphanet 902, MedGen C0043119, MONDO:0010196, OMIM 277700.

Submission:

Labcorp Genetics (formerly Invitae), Labcorp
Classification: Uncertain significance for Werner syndrome. Last evaluated: 2022-11-14. Review status: criteria provided, single submitter. Criteria: Invitae Variant Classification Sherloc (09022015). Collection method: clinical testing. Allele origin: germline.
Comment: In summary, the available evidence is currently insufficient to determine the role of this variant in disease. Therefore, it has been classified as a Variant of Uncertain Significance. Variants that disrupt the consensus splice site are a relatively common cause of aberrant splicing (PMID: 17576681, 9536098). Algorithms developed to predict the effect of sequence changes on RNA splicing suggest that this variant may disrupt the consensus splice site. Algorithms developed to predict the effect of missense changes on protein structure and function are either unavailable or do not agree on the potential impact of this missense change (SIFT: "Not Available"; PolyPhen-2: "Possibly Damaging"; Align-GVGD: "Not Available"). This variant has not been reported in the literature in individuals affected with WRN-related conditions. This variant is not present in population databases (gnomAD no frequency). This sequence change replaces valine, which is neutral and non-polar, with phenylalanine, which is neutral and non-polar, at codon 119 of the WRN protein (p.Val119Phe). This variant also falls at the last nucleotide of exon 4, which is part of the consensus splice site for this exon.

Literature cited by the submitters: PubMed 17576681; PubMed 9536098.

NM_000553.6(WRN):c.355G>T (p.Val119Phe)

Gene: WRN (WRN RecQ like helicase; plus strand). Cytogenetic location: 8p12.
Variant type: single nucleotide variant.
Coding change: c.355G>T on transcript NM_000553.6 (MANE Select); coding-DNA position 355, G replaced by T.
Protein change: p.Val119Phe; replaces valine 119 with phenylalanine.
Molecular consequence: missense variant.
Genome position (GRCh38, 1-based): chr8:31,064,434, G>T. VCF-style: chr8-31064434-G-T. GRCh37 (hg19) VCF-style: chr8-30921950-G-T.
Other names: short protein forms V119F.
Identifiers: ClinVar variation 2814185 (VCV002814185.3), dbSNP rs1812616898, ClinGen allele CA370914498.